The following is an entry in ClinVar:

NM_000158.4(GBE1):c.1633_1634delinsTATAAGAGACAGT (p.His545fs)

Gene: GBE1 (1,4-alpha-glucan branching enzyme 1; minus strand). Cytogenetic location: 3p12.2.
Variant type: Indel.
Coding change: c.1633_1634delinsTATAAGAGACAGT on transcript NM_000158.4 (MANE Select); coding-DNA positions 1633 to 1634, CA replaced by TATAAGAGACAGT.
Protein change: p.His545fs; shifts the reading frame from histidine 545.
Molecular consequence: frameshift variant.
Genome position (GRCh38, 1-based): chr3:81,537,080-81,537,081, TG replaced by ACTGTCTCTTATA on the plus strand (CA replaced by TATAAGAGACAGT on the coding strand, the reverse complement: GBE1 is on the minus strand). VCF-style: chr3-81537080-TG-ACTGTCTCTTATA. GRCh37 (hg19) VCF-style: chr3-81586231-TG-ACTGTCTCTTATA.
Other names: short protein forms H545fs.
Identifiers: ClinVar variation 5010884 (VCV005010884.1).

ClinVar aggregate classification (germline): Pathogenic (1 of 4 stars; one submission).

Conditions:
Glycogen storage disease, type IV (GSD4). Also called: AMYLOPECTINOSIS; ANDERSEN DISEASE; BRANCHER DEFICIENCY; CIRRHOSIS, FAMILIAL, WITH DEPOSITION OF ABNORMAL GLYCOGEN; GBE1 DEFICIENCY; GLYCOGEN BRANCHING ENZYME DEFICIENCY. Identifiers: Orphanet 367, MedGen C0017923, MONDO:0009292, OMIM 232500.

Submission:

Myriad Genetics, Inc.
Classification: Pathogenic for Glycogen storage disease, type IV. Last evaluated: 2024-05-14. Review status: criteria provided, single submitter. Criteria: Myriad Autosomal Dominant, Autosomal Recessive and X-Linked Classification Criteria (2023). Collection method: clinical testing. Allele origin: unknown.
Comment: NM_000158.3(GBE1):c.1633_1634del2ins13(H545Yfs*9) is expected to be pathogenic in the context of glycogen storage disease, GBE1-related. This variant is predicted to lead to an abnormal or absent protein product due to the creation of a premature termination codon in GBE1, a gene where loss-of-function variants are known to be pathogenic. Please note: this variant was assessed in the context of healthy population screening.